The following is an entry in ClinVar:

NM_001370658.1(BTD):c.600A>G (p.Ala200=)

Gene: BTD (biotinidase; plus strand). Cytogenetic location: 3p25.1.
Variant type: single nucleotide variant.
Coding change: c.600A>G on transcript NM_001370658.1 (MANE Select); coding-DNA position 600, A replaced by G.
Protein change: p.Ala200=; no amino-acid change (alanine 200 retained).
Molecular consequence: synonymous variant. On other transcripts: intron variant (6).
Genome position (GRCh38, 1-based): chr3:15,644,516, A>G. VCF-style: chr3-15644516-A-G. GRCh37 (hg19) VCF-style: chr3-15686023-A-G.
Other names: c.600A>G, p.Ala200= (NM_001281723.4, NM_001281724.3, NM_001281725.3 and 18 more transcripts); c.399+2459A>G (NM_001370753.1, NM_001407400.1, NM_001407380.1 and 3 more transcripts).
Identifiers: ClinVar variation 1095731 (VCV001095731.18), dbSNP rs757071809, ClinGen allele CA2277357.

ClinVar aggregate classification (germline): Likely benign. Review status: criteria provided, multiple submitters, no conflicts (2 of 4 stars). 2 submissions from 2 submitters: Likely benign (2). Last evaluated 2025-06-01.

Conditions:
Biotinidase deficiency. Also called: Biotin deficiency; BTD deficiency; Late-onset biotin-responsive multiple carboxylase deficiency. Identifiers: Orphanet 79241, MedGen C0220754, MONDO:0009665, OMIM 253260.

Allele frequency attached by ClinVar (database versions not stated): gnomAD exomes below 0.00001 and 0.00001; gnomAD 0.00001; TOPMed 0.00001; ExAC 0.00002.
gnomAD v4.1: 6 of 1,614,074 alleles (0.00037%); highest among the groups gnomAD compares: Admixed American, 0.0067%; no homozygotes.

Submissions (2):

CeGaT Center for Human Genetics Tuebingen
Classification: Likely benign. Last evaluated: 2025-06-01. Review status: criteria provided, single submitter. Criteria: CeGaT Center For Human Genetics Tuebingen Variant Classification Criteria Version 2. Collection method: clinical testing. Allele origin: germline. Affected: yes. Observed: 1 variant allele.
Comment: BTD: BP4, BP7

Labcorp Genetics (formerly Invitae), Labcorp
Classification: Likely benign for Biotinidase deficiency. Last evaluated: 2023-10-23. Review status: criteria provided, single submitter. Criteria: Invitae Variant Classification Sherloc (09022015). Collection method: clinical testing. Allele origin: germline.